The following is an entry in ClinVar:

ClinVar aggregate classification (germline): Uncertain significance (1 of 4 stars; one submission).

Conditions:
Tuberous sclerosis 2 (TSC2). Identifiers: Orphanet 805, MedGen C1860707, MONDO:0013199, OMIM 613254.

Submission:

Labcorp Genetics (formerly Invitae), Labcorp
Classification: Uncertain significance for Tuberous sclerosis 2. Last evaluated: 2022-07-08. Review status: criteria provided, single submitter. Criteria: Invitae Variant Classification Sherloc (09022015). Collection method: clinical testing. Allele origin: germline.
Comment: Algorithms developed to predict the effect of missense changes on protein structure and function are either unavailable or do not agree on the potential impact of this missense change (SIFT: "Not Available"; PolyPhen-2: "Benign"; Align-GVGD: "Not Available"). In summary, the available evidence is currently insufficient to determine the role of this variant in disease. Therefore, it has been classified as a Variant of Uncertain Significance. This variant has not been reported in the literature in individuals affected with TSC2-related conditions. Information on the frequency of this variant in the gnomAD database is not available, as this variant may be reported differently in the database. This sequence change replaces leucine, which is neutral and non-polar, with proline, which is neutral and non-polar, at codon 1216 of the TSC2 protein (p.Leu1216Pro).

NM_000548.5(TSC2):c.3647_3648delinsCT (p.Leu1216Pro)

Gene: TSC2 (TSC complex subunit 2; plus strand). Cytogenetic location: 16p13.3.
Variant type: Indel.
Coding change: c.3647_3648delinsCT on transcript NM_000548.5 (MANE Select); coding-DNA positions 3647 to 3648, TC replaced by CT.
Protein change: p.Leu1216Pro; replaces leucine 1216 with proline.
Molecular consequence: missense variant.
Genome position (GRCh38, 1-based): chr16:2,081,631-2,081,632, TC replaced by CT. VCF-style: chr16-2081631-TC-CT. GRCh37 (hg19) VCF-style: chr16-2131632-TC-CT.
Other names: c.2915_2916delTCinsCT, p.Leu972Pro (NM_001406688.1, NM_001406687.1); c.2303_2304delTCinsCT, p.Leu768Pro (NM_001406689.1); c.2174_2175delTCinsCT, p.Leu725Pro (NM_001406690.1, NM_001406692.1, NM_001406693.1 and 1 more transcripts); c.2171_2172delTCinsCT, p.Leu724Pro (NM_001406691.1, NM_001406695.1, NM_001406696.1 and 1 more transcripts); c.3515_3516delinsCT, p.Leu1172Pro (NM_001077183.3, NM_001370404.1); c.3647_3648delinsCT, p.Leu1216Pro (NM_001114382.3); c.3407_3408delinsCT, p.Leu1136Pro (NM_001318827.2); c.3371_3372delinsCT, p.Leu1124Pro (NM_001318829.2); and 20 more; short protein forms L1019P, L1166P, L1172P, L1179P, L1202P, L1203P, L725P, L972P.
Identifiers: ClinVar variation 2014219 (VCV002014219.4), dbSNP rs2544154049, ClinGen allele CA2580091011.